The following is an entry in ClinVar:

ClinVar aggregate classification (germline): Pathogenic/Likely pathogenic. Review status: criteria provided, multiple submitters, no conflicts (2 of 4 stars). 2 submissions from 2 submitters: Pathogenic (1); Likely pathogenic (1). Last evaluated 2023-03-02.

Conditions:
Polycystic kidney disease 4 (PKD4). Also called: POLYCYSTIC KIDNEY AND HEPATIC DISEASE 1; POLYCYSTIC KIDNEY DISEASE, INFANTILE, TYPE I; POLYCYSTIC KIDNEY DISEASE 4 WITH OR WITHOUT POLYCYSTIC LIVER DISEASE; Autosomal Recessive Polycystic Kidney Disease – PKHD1; PKD3. Identifiers: MedGen C4540575, MONDO:0033004, OMIM 263200.
Autosomal recessive polycystic kidney disease (ARPKD). Also called: AR polycystic kidney disease. Identifiers: Orphanet 731, Orphanet 8378, MedGen C0085548, MeSH D017044, MONDO:0009889.

Submissions (2):

Baylor Genetics
Classification: Likely pathogenic for Polycystic kidney disease 4. Last evaluated: 2023-03-02. Review status: criteria provided, single submitter. Criteria: ACMG Guidelines, 2015. Collection method: clinical testing. Allele origin: unknown.

Labcorp Genetics (formerly Invitae), Labcorp
Classification: Pathogenic for Autosomal recessive polycystic kidney disease. Last evaluated: 2020-11-05. Review status: criteria provided, single submitter. Criteria: Invitae Variant Classification Sherloc (09022015). Collection method: clinical testing. Allele origin: germline.
Comment: This sequence change creates a premature translational stop signal (p.Cys1613Alafs*2) in the PKHD1 gene. It is expected to result in an absent or disrupted protein product. Loss-of-function variants in PKHD1 are known to be pathogenic (PMID: 19940839). This variant is not present in population databases (ExAC no frequency). This variant has not been reported in the literature in individuals with PKHD1-related conditions. For these reasons, this variant has been classified as Pathogenic.

Literature cited by the submitters: PubMed 19940839 (cited by Labcorp Genetics (formerly Invitae), Labcorp).

NM_138694.4(PKHD1):c.4836del (p.Cys1613fs)

Genes: PKHD1 (PKHD1 ciliary IPT domain containing fibrocystin/polyductin; minus strand), LOC126859690 (MED14-independent group 3 enhancer GRCh37_chr6:51888848-51890047; plus strand). Cytogenetic location: 6p12.2.
Variant type: Deletion.
Coding change: c.4836del on transcript NM_138694.4 (MANE Select); coding-DNA position 4836, one base deleted (C; older notation c.4836delC).
Protein change: p.Cys1613fs; shifts the reading frame from cysteine 1613.
Molecular consequence: frameshift variant.
Genome position (GRCh38, 1-based): chr6:52,024,974, G deleted on the plus strand (C on the coding strand, the reverse complement: PKHD1 is on the minus strand); the first of 2 consecutive G bases (chr6:52,024,974-52,024,975); deleting either gives the same sequence. VCF-style (leftmost placement, unchanged base first): chr6-52024973-AG-A. GRCh37 (hg19) VCF-style: chr6-51889771-AG-A.
Other names: c.4836del, p.Cys1613fs (NM_170724.3); short protein forms C1613fs.
Identifiers: ClinVar variation 1070083 (VCV001070083.8), dbSNP rs2128142414, ClinGen allele CA2499218363.